The following is an entry in ClinVar:

ClinVar aggregate classification (germline): Likely benign (1 of 4 stars; one submission).

Submission:

GeneDx
Classification: Likely benign. Last evaluated: 2021-06-30. Review status: criteria provided, single submitter. Criteria: GeneDx Variant Classification Process June 2021. Collection method: clinical testing. Allele origin: germline. Affected: yes.
Comment: See Variant Classification Assertion Criteria.

NM_000136.3(FANCC):c.1155-11C>T

Genes: AOPEP (aminopeptidase O (putative); plus strand), FANCC (FA complementation group C; minus strand). Cytogenetic location: 9q22.32.
Variant type: single nucleotide variant.
Coding change: c.1155-11C>T on transcript NM_000136.3 (MANE Select); 11 bases into the intron before coding-DNA position 1155, C replaced by T.
Molecular consequence: intron variant.
Genome position (GRCh38, 1-based): chr9:95,111,648, G>A on the plus strand (C>T on the coding strand, the complement: FANCC is on the minus strand). VCF-style: chr9-95111648-G-A. GRCh37 (hg19) VCF-style: chr9-97873930-G-A.
Other names: c.1155-11C>T (NM_001243743.2, NM_001243744.2).
Identifiers: ClinVar variation 1683984 (VCV001683984.2), dbSNP rs2134552343, ClinGen allele CA2573144930.